The following is an entry in ClinVar:

ClinVar aggregate classification (germline): Uncertain significance. Review status: criteria provided, multiple submitters, no conflicts (2 of 4 stars). 4 submissions from 3 submitters: Uncertain significance (4). Last evaluated 2022-05-12.

Conditions:
Meckel-Gruber syndrome. Also called: Dysencephalia splachnocystica; DYSENCEPHALIA SPLANCHNOCYSTICA; GRUBER SYNDROME. Identifiers: Orphanet 564, MedGen C0265215, MONDO:0018921.
Joubert syndrome. Also called: JOUBERT-BOLTSHAUSER SYNDROME; Familial aplasia of the vermis. Identifiers: Orphanet 475, MedGen C5979921, MONDO:0018772.
Joubert syndrome 9 (JBTS9). Identifiers: Orphanet 2318, MedGen C2676788, MONDO:0012849, OMIM 612285.
Meckel syndrome, type 6. Identifiers: Orphanet 564, MedGen C2676790, MONDO:0012848, OMIM 612284.

Allele frequency attached by ClinVar (database versions not stated): gnomAD 0.00001; gnomAD exomes 0.00001; TOPMed 0.00002.
gnomAD v4.1: 9 of 1,613,062 alleles (0.00056%); highest among the groups gnomAD compares: African/African-American, 0.004%; no homozygotes.

Submissions (4):

Labcorp Genetics (formerly Invitae), Labcorp
Classification: Uncertain significance for Joubert syndrome; Meckel-Gruber syndrome. Last evaluated: 2022-05-12. Review status: criteria provided, single submitter. Criteria: Invitae Variant Classification Sherloc (09022015). Collection method: clinical testing. Allele origin: germline.
Comment: This sequence change replaces serine, which is neutral and polar, with leucine, which is neutral and non-polar, at codon 1067 of the CC2D2A protein (p.Ser1067Leu). This variant is not present in population databases (gnomAD no frequency). This variant has not been reported in the literature in individuals affected with CC2D2A-related conditions. ClinVar contains an entry for this variant (Variation ID: 347894). Advanced modeling of protein sequence and biophysical properties (such as structural, functional, and spatial information, amino acid conservation, physicochemical variation, residue mobility, and thermodynamic stability) performed at Invitae indicates that this missense variant is expected to disrupt CC2D2A protein function. In summary, the available evidence is currently insufficient to determine the role of this variant in disease. Therefore, it has been classified as a Variant of Uncertain Significance.

Eurofins Ntd Llc (ga)
Classification: Uncertain significance. Last evaluated: 2018-05-29. Review status: criteria provided, single submitter. Criteria: EGL ClinVar v180209 classification definitions. Collection method: clinical testing. Allele origin: germline. Observed: 1 variant allele, 1 heterozygote.

Illumina Laboratory Services, Illumina
Classification: Uncertain significance for Joubert syndrome 9. Last evaluated: 2018-01-13. Review status: criteria provided, single submitter. Criteria: ICSL Variant Classification Criteria 13 December 2019. Collection method: clinical testing. Allele origin: germline.

Illumina Laboratory Services, Illumina
Classification: Uncertain significance for Meckel syndrome, type 6. Last evaluated: 2018-01-13. Review status: criteria provided, single submitter. Criteria: ICSL Variant Classification Criteria 13 December 2019. Collection method: clinical testing. Allele origin: germline.

NM_001378615.1(CC2D2A):c.3200C>T (p.Ser1067Leu)

Genes: FBXL5 (F-box and leucine rich repeat protein 5; minus strand), CC2D2A (coiled-coil and C2 domain containing 2A; plus strand). Cytogenetic location: 4p15.32.
Variant type: single nucleotide variant.
Coding change: c.3200C>T on transcript NM_001378615.1 (MANE Select); coding-DNA position 3200, C replaced by T.
Protein change: p.Ser1067Leu; replaces serine 1067 with leucine.
Molecular consequence: missense variant.
Genome position (GRCh38, 1-based): chr4:15,567,394, C>T. VCF-style: chr4-15567394-C-T. GRCh37 (hg19) VCF-style: chr4-15569017-C-T.
Other names: c.3200C>T, p.Ser1067Leu (NM_001080522.2); c.3053C>T, p.Ser1018Leu (NM_001378617.1); short protein forms S1067L, S1018L.
Identifiers: ClinVar variation 347894 (VCV000347894.17), dbSNP rs886059181, ClinGen allele CA10620315.